The following is an entry in ClinVar:

ClinVar aggregate classification (germline): Likely benign (0 of 4 stars; one submission).

Conditions:
ARID1B-Related Disorder. Identifiers: MedGen CN381337.

Submission:

PreventionGenetics, part of Exact Sciences
Classification: Likely benign for ARID1B-related condition. Last evaluated: 2020-03-05. Review status: no assertion criteria provided. Collection method: clinical testing. Allele origin: germline.
Comment: This variant is classified as likely benign based on ACMG/AMP sequence variant interpretation guidelines (Richards et al. 2015 PMID: 25741868, with internal and published modifications).

NM_001374828.1(ARID1B):c.1629G>T (p.Ala543=)

Gene: ARID1B (AT-rich interaction domain 1B; plus strand). Cytogenetic location: 6q25.3.
Variant type: single nucleotide variant.
Coding change: c.1629G>T on transcript NM_001374828.1 (MANE Select); coding-DNA position 1629, G replaced by T.
Protein change: p.Ala543=; no amino-acid change (alanine 543 retained).
Molecular consequence: synonymous variant.
Genome position (GRCh38, 1-based): chr6:156,779,309, G>T. VCF-style: chr6-156779309-G-T. GRCh37 (hg19) VCF-style: chr6-157100443-G-T.
Other names: c.1380G>T, p.Ala460= (NM_001346813.1, NM_020732.3); c.1629G>T, p.Ala543= (NM_001371656.1, NM_001374820.1, NM_017519.3); c.1206G>T, p.Ala402= (NM_175863.2).
Identifiers: ClinVar variation 3060140 (VCV003060140.2), dbSNP rs2546844169, ClinGen allele CA452989723.
Genomic context (GRCh38, chr6:156,779,309, plus strand): 5'-CAGCAGCCCCAGCGCGCCGCCGCCGCCGCCGTCGCAGCCCCAGTCCCAGGCGGCGGCGGC[G>T]GGGGCGGCGGCGGGCGGCCAGCAGGCGGCCGCGGGCATGGGCTTGGGCAAGGACATGGGC-3'
Protein context (NP_001361757.1, residues 533-553): PSQPQSQAAA[Ala543=]GAAAGGQQAA